The following is an entry in ClinVar:

ClinVar aggregate classification (germline): Uncertain significance. Review status: criteria provided, multiple submitters, no conflicts (2 of 4 stars). 2 submissions from 2 submitters: Uncertain significance (2). Last evaluated 2022-08-20.

Allele frequency attached by ClinVar (database versions not stated): gnomAD exomes below 0.00001.
gnomAD v4.1: 1 of 1,614,164 alleles (0.000062%); highest among the groups gnomAD compares: Non-Finnish European, 0.000085%; no homozygotes.

Submissions (2):

Labcorp Genetics (formerly Invitae), Labcorp
Classification: Uncertain significance. Last evaluated: 2022-08-20. Review status: criteria provided, single submitter. Criteria: Invitae Variant Classification Sherloc (09022015). Collection method: clinical testing. Allele origin: germline.
Comment: Algorithms developed to predict the effect of missense changes on protein structure and function are either unavailable or do not agree on the potential impact of this missense change (SIFT: "Deleterious"; PolyPhen-2: "Benign"; Align-GVGD: "Class C0"). In summary, the available evidence is currently insufficient to determine the role of this variant in disease. Therefore, it has been classified as a Variant of Uncertain Significance. ClinVar contains an entry for this variant (Variation ID: 1307480). This variant has not been reported in the literature in individuals affected with POLE-related conditions. This variant is not present in population databases (gnomAD no frequency). This sequence change replaces serine, which is neutral and polar, with asparagine, which is neutral and polar, at codon 1139 of the POLE protein (p.Ser1139Asn).

GeneDx
Classification: Uncertain significance. Last evaluated: 2022-01-29. Review status: criteria provided, single submitter. Criteria: GeneDx Variant Classification Process June 2021. Collection method: clinical testing. Allele origin: germline. Affected: yes.
Comment: Not observed at significant frequency in large population cohorts (gnomAD); In silico analysis, which includes protein predictors and evolutionary conservation, supports that this variant does not alter protein structure/function; Has not been previously published as pathogenic or benign to our knowledge

NM_006231.4(POLE):c.3416G>A (p.Ser1139Asn)

Gene: POLE (DNA polymerase epsilon, catalytic subunit; minus strand). Cytogenetic location: 12q24.33.
Variant type: single nucleotide variant.
Coding change: c.3416G>A on transcript NM_006231.4 (MANE Select); coding-DNA position 3416, G replaced by A.
Protein change: p.Ser1139Asn; replaces serine 1139 with asparagine.
Molecular consequence: missense variant.
Genome position (GRCh38, 1-based): chr12:132,657,392, C>T on the plus strand (G>A on the coding strand, the complement: POLE is on the minus strand). VCF-style: chr12-132657392-C-T. GRCh37 (hg19) VCF-style: chr12-133233978-C-T.
Other names: short protein forms S1139N.
Identifiers: ClinVar variation 1307480 (VCV001307480.7), dbSNP rs2138659619, ClinGen allele CA387389471.